The following is an entry in ClinVar:

ClinVar aggregate classification (germline): Uncertain significance (1 of 4 stars; one submission).

Allele frequency attached by ClinVar (database versions not stated): ExAC 0.00001; gnomAD exomes 0.00001.
gnomAD v4.1: 8 of 1,614,050 alleles (0.0005%); highest among the groups gnomAD compares: South Asian, 0.0022%; no homozygotes.

Submission:

Labcorp Genetics (formerly Invitae), Labcorp
Classification: Uncertain significance. Last evaluated: 2022-09-29. Review status: criteria provided, single submitter. Criteria: Invitae Variant Classification Sherloc (09022015). Collection method: clinical testing. Allele origin: germline.
Comment: In summary, the available evidence is currently insufficient to determine the role of this variant in disease. Therefore, it has been classified as a Variant of Uncertain Significance. Advanced modeling of protein sequence and biophysical properties (such as structural, functional, and spatial information, amino acid conservation, physicochemical variation, residue mobility, and thermodynamic stability) has been performed at Invitae for this missense variant, however the output from this modeling did not meet the statistical confidence thresholds required to predict the impact of this variant on LRP5 protein function. This variant has not been reported in the literature in individuals affected with LRP5-related conditions. The frequency data for this variant in the population databases is considered unreliable, as metrics indicate poor data quality at this position in the gnomAD database. This sequence change replaces glycine, which is neutral and non-polar, with arginine, which is basic and polar, at codon 1007 of the LRP5 protein (p.Gly1007Arg).

NM_002335.4(LRP5):c.3019G>A (p.Gly1007Arg)

Gene: LRP5 (LDL receptor related protein 5; plus strand). Cytogenetic location: 11q13.2.
Variant type: single nucleotide variant.
Coding change: c.3019G>A on transcript NM_002335.4 (MANE Select); coding-DNA position 3019, G replaced by A.
Protein change: p.Gly1007Arg; replaces glycine 1007 with arginine.
Molecular consequence: missense variant.
Genome position (GRCh38, 1-based): chr11:68,416,519, G>A. VCF-style: chr11-68416519-G-A. GRCh37 (hg19) VCF-style: chr11-68183987-G-A.
Other names: c.1276G>A, p.Gly426Arg (NM_001291902.2); short protein forms G426R, G1007R.
Identifiers: ClinVar variation 2122235 (VCV002122235.4), dbSNP rs771064776, ClinGen allele CA6149811.